The following is an entry in ClinVar:

ClinVar aggregate classification (germline): Pathogenic (1 of 4 stars; one submission).

Submission:

GeneDx
Classification: Pathogenic. Last evaluated: 2024-05-10. Review status: criteria provided, single submitter. Criteria: GeneDx Variant Classification Process June 2021. Collection method: clinical testing. Allele origin: germline. Affected: yes.
Comment: Nonsense variant predicted to result in protein truncation, as the last 1234 amino acids are lost, and other loss-of-function variants have been reported downstream in HGMD; Not observed at significant frequency in large population cohorts (gnomAD); This variant is associated with the following publications: (PMID: 38420660, 34886823)

NM_030632.3(ASXL3):c.3043C>T (p.Gln1015Ter)

Gene: ASXL3 (ASXL transcriptional regulator 3; plus strand). Cytogenetic location: 18q12.1.
Variant type: single nucleotide variant.
Coding change: c.3043C>T on transcript NM_030632.3 (MANE Select); coding-DNA position 3043, C replaced by T.
Protein change: p.Gln1015Ter; replaces glutamine 1015 with a stop codon.
Molecular consequence: nonsense.
Genome position (GRCh38, 1-based): chr18:33,742,891, C>T. VCF-style: chr18-33742891-C-T. GRCh37 (hg19) VCF-style: chr18-31322855-C-T.
Other names: short protein forms Q1015*.
Identifiers: ClinVar variation 393194 (VCV000393194.3), dbSNP rs1057524831, ClinGen allele CA16608739.